The following is an entry in ClinVar:

NM_005378.6(MYCN):c.1133A>G (p.Glu378Gly)

Gene: MYCN (MYCN proto-oncogene, bHLH transcription factor; plus strand). Cytogenetic location: 2p24.3.
Variant type: single nucleotide variant.
Coding change: c.1133A>G on transcript NM_005378.6 (MANE Select); coding-DNA position 1133, A replaced by G.
Protein change: p.Glu378Gly; replaces glutamic acid 378 with glycine.
Molecular consequence: missense variant. On other transcripts: 3 prime UTR variant (1).
Genome position (GRCh38, 1-based): chr2:15,945,835, A>G. VCF-style: chr2-15945835-A-G. GRCh37 (hg19) VCF-style: chr2-16085957-A-G.
Other names: c.1133A>G, p.Glu378Gly (NM_001293228.2); c.500A>G, p.Glu167Gly (NM_001293231.2); c.*1068A>G (NM_001293233.2); short protein forms E167G, E378G.
Identifiers: ClinVar variation 4531775 (VCV004531775.1).

ClinVar aggregate classification (germline): Uncertain significance (1 of 4 stars; one submission).

Conditions:
Feingold syndrome type 1 (FGLDS1). Also called: MICROCEPHALY AND DIGITAL ABNORMALITIES WITH NORMAL INTELLIGENCE; MICROCEPHALY, MENTAL RETARDATION, AND TRACHEOESOPHAGEAL FISTULA SYNDROME; MICROCEPHALY-OCULO-DIGITO-ESOPHAGEAL-DUODENAL SYNDROME; OCULODIGITOESOPHAGODUODENAL SYNDROME; ODED SYNDROME. Identifiers: Orphanet 1305, Orphanet 391641, MedGen C4551774, MONDO:0008115, OMIM 164280.

Submission:

Victorian Clinical Genetics Services, Murdoch Childrens Research Institute
Classification: Uncertain significance for Feingold syndrome type 1. Last evaluated: 2025-09-01. Review status: criteria provided, single submitter. Criteria: ACMG Guidelines, 2015. Collection method: clinical testing. Allele origin: germline. Affected: yes.
Comment: This variant is classified as VUS-3A. Evidence in support of pathogenic classification: Variant is absent from gnomAD (v2, v3 and v4); Variant is located at a putative DNA-binding site located in the annotated functional bHLH zipper domain (NCBI); Missense variant predicted to be damaging by in silico tool(s) or highly conserved with a major amino acid change. Additional information: Variant is predicted to result in a missense amino acid change from Glu to Gly; This variant is heterozygous; This gene is associated with autosomal dominant disease; This variant has no previous evidence of pathogenicity; No published evidence of segregation with disease has been identified for this variant; No published functional evidence has been identified for this variant; No comparable missense variants have previous evidence for pathogenicity; Loss of function and gain of function are known mechanisms of disease in this gene and are associated with Feingold syndrome 1 (MIM#164280) and megalencephaly-polydactyly syndrome (MIM#620748), respectively; Parental origin of the variant is unresolved.